The following is an entry in ClinVar:

ClinVar aggregate classification (germline): Uncertain significance (1 of 4 stars; one submission).

gnomAD v4.1: 1 of 1,614,040 alleles (0.000062%); highest among the groups gnomAD compares: Non-Finnish European, 0.000085%; no homozygotes.

Submission:

Labcorp Genetics (formerly Invitae), Labcorp
Classification: Uncertain significance. Last evaluated: 2025-06-12. Review status: criteria provided, single submitter. Criteria: Invitae Variant Classification Sherloc (09022015). Collection method: clinical testing. Allele origin: germline.
Comment: This sequence change replaces proline, which is neutral and non-polar, with leucine, which is neutral and non-polar, at codon 1031 of the KANK1 protein (p.Pro1031Leu). This variant is not present in population databases (gnomAD no frequency). This variant has not been reported in the literature in individuals affected with KANK1-related conditions. ClinVar contains an entry for this variant (Variation ID: 1953498). An algorithm developed to predict the effect of missense changes on protein structure and function (PolyPhen-2) suggests that this variant is likely to be tolerated. In summary, the available evidence is currently insufficient to determine the role of this variant in disease. Therefore, it has been classified as a Variant of Uncertain Significance.

NM_015158.5(KANK1):c.3092C>T (p.Pro1031Leu)

Gene: KANK1 (KN motif and ankyrin repeat domains 1; plus strand). Cytogenetic location: 9p24.3.
Variant type: single nucleotide variant.
Coding change: c.3092C>T on transcript NM_015158.5 (MANE Select); coding-DNA position 3092, C replaced by T.
Protein change: p.Pro1031Leu; replaces proline 1031 with leucine.
Molecular consequence: missense variant. On other transcripts: intron variant (5).
Genome position (GRCh38, 1-based): chr9:732,464, C>T. VCF-style: chr9-732464-C-T. GRCh37 (hg19) VCF-style: chr9-732464-C-T.
Other names: c.3092C>T, p.Pro1031Leu (NM_001256876.3, NM_001256877.3, NM_001354334.2); c.3038C>T, p.Pro1013Leu (NM_001354332.2); c.2618C>T, p.Pro873Leu (NM_001354333.2, NM_001354335.2, NM_001354337.2 and 2 more transcripts); c.2564C>T, p.Pro855Leu (NM_001354338.2, NM_001354340.2, NM_001354344.2); c.3005+1198C>T (NM_001354331.2); c.2477+1198C>T (NM_001354336.2); c.2531+1198C>T (NM_001354339.2, NM_001354343.2, NM_001354342.2); short protein forms P1031L, P855L, P873L, P1013L.
Identifiers: ClinVar variation 1953498 (VCV001953498.5), dbSNP rs1832568654, ClinGen allele CA372757237.